The following is an entry in ClinVar:

NM_000059.4(BRCA2):c.7178T>C (p.Met2393Thr)

Gene: BRCA2 (BRCA2 DNA repair associated; plus strand). Cytogenetic location: 13q13.1.
Variant type: single nucleotide variant.
Coding change: c.7178T>C on transcript NM_000059.4 (MANE Select); coding-DNA position 7178, T replaced by C.
Protein change: p.Met2393Thr; replaces methionine 2393 with threonine.
Molecular consequence: missense variant.
Genome position (GRCh38, 1-based): chr13:32,355,031, T>C. VCF-style: chr13-32355031-T-C. GRCh37 (hg19) VCF-style: chr13-32929168-T-C.
Other names: 7406T>C; short protein forms M2393T.
Identifiers: ClinVar variation 96849 (VCV000096849.23), dbSNP rs431825351, ClinGen allele CA024926.

ClinVar aggregate classification (germline): Conflicting classifications of pathogenicity. Review status: criteria provided, conflicting classifications (1 of 4 stars). 7 submissions from 7 submitters: Uncertain significance (3); Likely benign (3). 1 of the submissions does not count toward it. Last evaluated 2026-01-08.

Conditions:
Hereditary cancer-predisposing syndrome. Also called: Hereditary Cancer Syndrome; Neoplastic Syndromes, Hereditary; Hereditary neoplastic syndrome; Tumor predisposition. Identifiers: Orphanet 140162, MedGen C0027672, MeSH D009386, MONDO:0015356.
Hereditary breast ovarian cancer syndrome. Also called: Breast and ovarian cancer; Hereditary breast and/or ovarian cancer syndrome; Hereditary breast and ovarian cancer; Hereditary breast and ovarian cancer syndrome; Hereditary breast and ovarian cancer syndrome (HBOC); BRCA1- and BRCA2-Associated Hereditary Breast and Ovarian Cancer. Identifiers: Orphanet 145, MedGen C0677776, MeSH D061325, MONDO:0003582. Disease mechanism: loss of function.
Breast-ovarian cancer, familial, susceptibility to, 2 (BROVCA2). Also called: BRCA2 Hereditary Breast and Ovarian Cancer. Identifiers: Orphanet 145, MedGen C2675520, MONDO:0012933, OMIM 612555. Disease mechanism: loss of function.

Allele frequency attached by ClinVar (database versions not stated): gnomAD exomes below 0.00001.
gnomAD v4.1: 3 of 1,613,984 alleles (0.00019%); highest among the groups gnomAD compares: Non-Finnish European, 0.00025%; no homozygotes.

Submissions (7):

Labcorp Genetics (formerly Invitae), Labcorp
Classification: Uncertain significance for Hereditary breast ovarian cancer syndrome. Last evaluated: 2026-01-08. Review status: criteria provided, single submitter. Criteria: Invitae Variant Classification Sherloc (09022015). Collection method: clinical testing. Allele origin: germline.
Comment: This sequence change replaces methionine, which is neutral and non-polar, with threonine, which is neutral and polar, at codon 2393 of the BRCA2 protein (p.Met2393Thr). This variant is present in population databases (rs431825351, gnomAD 0.0009%). This missense change has been observed in individual(s) with breast cancer (PMID: 32868316). ClinVar contains an entry for this variant (Variation ID: 96849). Invitae Evidence Modeling of protein sequence and biophysical properties (such as structural, functional, and spatial information, amino acid conservation, physicochemical variation, residue mobility, and thermodynamic stability) indicates that this missense variant is not expected to disrupt BRCA2 protein function with a negative predictive value of 95%. In summary, the available evidence is currently insufficient to determine the role of this variant in disease. Therefore, it has been classified as a Variant of Uncertain Significance.

Women's Health and Genetics/Laboratory Corporation of America, LabCorp
Classification: Uncertain significance. Last evaluated: 2025-02-19. Review status: criteria provided, single submitter. Criteria: LabCorp Variant Classification Summary - May 2015. Collection method: clinical testing. Allele origin: germline.
Comment: Variant summary: BRCA2 c.7178T>C (p.Met2393Thr) results in a non-conservative amino acid change in the encoded protein sequence. Four of five in-silico tools predict a benign effect of the variant on protein function. The variant allele was found at a frequency of 4e-06 in 251266 control chromosomes. The available data on variant occurrences in the general population are insufficient to allow any conclusion about variant significance. c.7178T>C has been reported in the literature in at least one individual affected with Breast Cancer (Purrington_2020). These report(s) do not provide unequivocal conclusions about association of the variant with Hereditary Breast And Ovarian Cancer Syndrome. To our knowledge, no experimental evidence demonstrating an impact on protein function has been reported. The following publication has been ascertained in the context of this evaluation (PMID: 32868316). ClinVar contains an entry for this variant (Variation ID: 96849). Based on the evidence outlined above, the variant was classified as uncertain significance.

All of Us Research Program, National Institutes of Health
Classification: Likely benign for Breast-ovarian cancer, familial, susceptibility to, 2. Last evaluated: 2024-01-06. Review status: criteria provided, single submitter. Criteria: ACMG Guidelines, 2015. Collection method: clinical testing. Allele origin: germline. Inheritance: Autosomal dominant inheritance. Observed: 2 variant alleles, 2 heterozygotes.
Comment: This study involves interpretation of variants in research participants for the purpose of population health screening. Participant phenotype was not available at the time of variant classification. Additional details can be found in publication PMID: 35346344, PMCID: PMC8962531

Quest Diagnostics Nichols Institute San Juan Capistrano
Classification: Uncertain significance. Last evaluated: 2019-06-16. Review status: criteria provided, single submitter. Criteria: Quest Diagnostics criteria. Collection method: clinical testing. Allele origin: germline.

Ambry Genetics
Classification: Likely benign for Hereditary cancer-predisposing syndrome. Last evaluated: 2017-12-13. Review status: criteria provided, single submitter. Criteria: Ambry Variant Classification Scheme 2023. Collection method: clinical testing. Allele origin: germline.

Color Diagnostics, LLC DBA Color Health
Classification: Likely benign for Hereditary cancer-predisposing syndrome. Last evaluated: 2017-01-16. Review status: criteria provided, single submitter. Criteria: ACMG Guidelines, 2015. Collection method: clinical testing. Allele origin: germline.

Sharing Clinical Reports Project (SCRP)
Classification: Uncertain significance for Breast-ovarian cancer, familial 2. Last evaluated: 2012-04-25. Review status: no assertion criteria provided. Collection method: clinical testing. Allele origin: germline. Not counted in ClinVar's aggregate classification.

Literature cited by the submitters: PubMed 32868316 (cited by Labcorp Genetics (formerly Invitae), Labcorp and Women's Health and Genetics/Laboratory Corporation of America, LabCorp).